The following is an entry in ClinVar:

NM_004006.3(DMD):c.8027+1G>C

Gene: DMD (dystrophin; minus strand). Cytogenetic location: Xp21.1.
Variant type: single nucleotide variant.
Coding change: c.8027+1G>C on transcript NM_004006.3 (MANE Select); the canonical splice donor site of the intron after coding-DNA position 8027, G replaced by C.
Molecular consequence: splice donor variant.
Genome position (GRCh38, 1-based): chrX:31,657,989, C>G on the plus strand (G>C on the coding strand, the complement: DMD is on the minus strand). VCF-style: chrX-31657989-C-G. GRCh37 (hg19) VCF-style: chrX-31676106-C-G.
Other names: c.8003+1G>C (NM_000109.4); c.4004+1G>C (NM_004011.4); c.3995+1G>C (NM_004012.4); c.647+1G>C (NM_004023.3, NM_004020.4, NM_004022.3 and 2 more transcripts); c.8015+1G>C (NM_004009.3); c.7658+1G>C (NM_004010.3).
Identifiers: ClinVar variation 4876774 (VCV004876774.1).

ClinVar aggregate classification (germline): Pathogenic (1 of 4 stars; one submission).

Conditions:
Duchenne muscular dystrophy (DMD). Also called: Duchenne Muscular Dystrophy (DMD); MUSCULAR DYSTROPHY, PSEUDOHYPERTROPHIC PROGRESSIVE, DUCHENNE TYPE. Identifiers: Orphanet 98896, MedGen C0013264, MONDO:0010679, OMIM 310200.

Submission:

Human Genetics Bochum, Ruhr University Bochum
Classification: Pathogenic for Duchenne muscular dystrophy. Last evaluated: 2026-05-29. Review status: criteria provided, single submitter. Criteria: ACMG Guidelines, 2015. Collection method: clinical testing. Allele origin: germline. Affected: yes.
Comment: in hemizygous state; ACMG criteria used to clasify this variant: PVS1, PM2_SUP, PP4